The following is an entry in ClinVar:

NM_033026.6(PCLO):c.2532dup (p.Gln845fs)

Gene: PCLO (piccolo presynaptic cytomatrix protein; minus strand). Cytogenetic location: 7q21.11.
Variant type: Duplication.
Coding change: c.2532dup on transcript NM_033026.6 (MANE Select); coding-DNA position 2532, one base duplicated (A; older notation c.2532dupA).
Protein change: p.Gln845fs; shifts the reading frame from glutamine 845.
Molecular consequence: frameshift variant.
Genome position (GRCh38, 1-based): chr7:83,135,018, T duplicated on the plus strand (A on the coding strand, the reverse complement: PCLO is on the minus strand); the first of 5 consecutive T bases (chr7:83,135,018-83,135,022); duplicating any one gives the same sequence. VCF-style (leftmost placement, unchanged base first): chr7-83135017-G-GT. GRCh37 (hg19) VCF-style: chr7-82764333-G-GT.
Other names: c.2532dup, p.Gln845fs (NM_014510.3); short protein forms Q845fs.
Identifiers: ClinVar variation 800508 (VCV000800508.1), dbSNP rs1584071201, ClinGen allele CA658795316.

ClinVar aggregate classification (germline): Likely pathogenic (1 of 4 stars; one submission).

Conditions:
Pontocerebellar hypoplasia type 3 (PCH3). Also called: CEREBELLAR ATROPHY WITH PROGRESSIVE MICROCEPHALY; PCH WITH OPTIC ATROPHY. Identifiers: Orphanet 97249, MedGen C1842687, MONDO:0011948, OMIM 608027.

Submission:

Broad Center for Mendelian Genomics, Broad Institute of MIT and Harvard
Classification: Likely pathogenic for Pontocerebellar hypoplasia type 3. Last evaluated: 2018-11-15. Review status: criteria provided, single submitter. Criteria: ACMG Guidelines, 2015. Collection method: research. Allele origin: germline. Inheritance: Autosomal recessive inheritance. Affected: yes.
Comment: This variant was absent from large population studies. This variant is predicted to cause a frameshift, which alters the protein's amino acid sequence beginning at position 845 and leads to a premature termination codon 3 amino acids downstream. This alteration is then predicted to lead to a truncated or absent protein. Loss of function of the PCLO gene is an established disease mechanism in autosomal recessive Pontocerebellar Hypoplasia, and this is a loss of function variant. In summary, although additional studies are required to fully establish its clinical significance, this variant is likely pathogenic.